The following is an entry in ClinVar:

NM_016120.4(RLIM):c.753T>G (p.Phe251Leu)

Gene: RLIM (ring finger protein, LIM domain interacting; minus strand). Cytogenetic location: Xq13.2.
Variant type: single nucleotide variant.
Coding change: c.753T>G on transcript NM_016120.4 (MANE Select); coding-DNA position 753, T replaced by G.
Protein change: p.Phe251Leu; replaces phenylalanine 251 with leucine.
Molecular consequence: missense variant.
Genome position (GRCh38, 1-based): chrX:74,592,562, A>C on the plus strand (T>G on the coding strand, the complement: RLIM is on the minus strand). VCF-style: chrX-74592562-A-C. GRCh37 (hg19) VCF-style: chrX-73812397-A-C.
Other names: c.753T>G, p.Phe251Leu (NM_183353.3); short protein forms F251L.
Identifiers: ClinVar variation 5007598 (VCV005007598.2).

ClinVar aggregate classification (germline): Likely benign (1 of 4 stars; one submission).

Conditions:
Intellectual disability, X-linked 61 (TOKAS). Also called: TONNE-KALSCHEUER SYNDROME. Identifiers: MedGen C4283894, MONDO:0010506, OMIM 300978.

gnomAD v4.1: 23 of 1,210,338 alleles (0.0019%); highest among the groups gnomAD compares: East Asian, 0.05%; no homozygotes.

Submission:

Juno Genomics, Hangzhou Juno Genomics, Inc
Classification: Likely benign for Intellectual disability, X-linked 61. Review status: criteria provided, single submitter. Criteria: ACMG Guidelines, 2015. Collection method: clinical testing. Allele origin: germline.
Comment: Multiple lines of computational evidence suggest no impact on gene or gene product.